The following is an entry in ClinVar:

NM_020937.4(FANCM):c.299G>A (p.Arg100Gln)

Gene: FANCM (FA complementation group M; plus strand). Cytogenetic location: 14q21.2.
Variant type: single nucleotide variant.
Coding change: c.299G>A on transcript NM_020937.4 (MANE Select); coding-DNA position 299, G replaced by A.
Protein change: p.Arg100Gln; replaces arginine 100 with glutamine.
Molecular consequence: missense variant.
Genome position (GRCh38, 1-based): chr14:45,136,330, G>A. VCF-style: chr14-45136330-G-A. GRCh37 (hg19) VCF-style: chr14-45605533-G-A.
Other names: c.299G>A, p.Arg100Gln (NM_001308133.2, NM_001308134.2); short protein forms R100Q.
Identifiers: ClinVar variation 4619601 (VCV004619601.1).

ClinVar aggregate classification (germline): Uncertain significance (1 of 4 stars; one submission).

Conditions:
Inborn genetic diseases. Identifiers: MedGen C0950123, MeSH D030342.

gnomAD v4.1: 1 of 1,614,136 alleles (0.000062%); highest among the groups gnomAD compares: African/African-American, 0.0013%; no homozygotes.

Submission:

Ambry Genetics
Classification: Uncertain significance for Inborn genetic diseases. Last evaluated: 2025-11-24. Review status: criteria provided, single submitter. Criteria: Ambry Variant Classification Scheme 2023. Collection method: clinical testing. Allele origin: germline.
Comment: The p.R100Q variant (also known as c.299G>A), located in coding exon 1 of the FANCM gene, results from a G to A substitution at nucleotide position 299. The arginine at codon 100 is replaced by glutamine, an amino acid with highly similar properties. This amino acid position is conserved. In addition, this alteration is predicted to be tolerated by in silico analysis. Based on the available evidence, the clinical significance of this variant remains unclear.